The following is an entry in ClinVar:

ClinVar aggregate classification (germline): Likely benign (1 of 4 stars; one submission).

Conditions:
Familial cancer of breast. Also called: BREAST CANCER, FAMILIAL; Hereditary breast cancer; hereditary breast carcinoma. Identifiers: Orphanet 227535, MedGen C0346153, MONDO:0016419, OMIM 114480. Disease mechanism: loss of function.

Submission:

Myriad Genetics, Inc.
Classification: Likely benign for Familial cancer of breast. Last evaluated: 2024-05-16. Review status: criteria provided, single submitter. Criteria: Myriad Autosomal Dominant, Autosomal Recessive and X-Linked Classification Criteria (2023). Collection method: clinical testing. Allele origin: unknown.
Comment: This variant is considered likely benign. This variant is intronic and is not expected to impact mRNA splicing.

NM_000051.4(ATM):c.4110-7C>T

Gene: ATM (ATM serine/threonine kinase; plus strand). Cytogenetic location: 11q22.3.
Variant type: single nucleotide variant.
Coding change: c.4110-7C>T on transcript NM_000051.4 (MANE Select); 7 bases into the intron before coding-DNA position 4110, C replaced by T.
Molecular consequence: intron variant.
Genome position (GRCh38, 1-based): chr11:108,288,970, C>T. VCF-style: chr11-108288970-C-T. GRCh37 (hg19) VCF-style: chr11-108159697-C-T.
Other names: c.4110-7C>T (NM_001351834.2).
Identifiers: ClinVar variation 3254486 (VCV003254486.1), dbSNP rs2135750102.